The following is an entry in ClinVar:

ClinVar aggregate classification (germline): Uncertain significance. Review status: criteria provided, multiple submitters, no conflicts (2 of 4 stars). 3 submissions from 3 submitters: Uncertain significance (2). 1 of the submissions does not count toward it. Last evaluated 2023-12-20.

Conditions:
Cardiovascular phenotype. Identifiers: MedGen CN230736.
Dystrophin deficiency.
Cardiomyopathy (CMYO). Also called: Cardiomyopathies. Identifiers: Orphanet 167848, MedGen C0878544, MONDO:0004994, HP:0001638. Inheritance: Various modes of inheritance.
Becker muscular dystrophy (BMD). Also called: Becker Muscular Dystrophy (BMD); MUSCULAR DYSTROPHY, PSEUDOHYPERTROPHIC PROGRESSIVE, BECKER TYPE. Identifiers: Orphanet 98895, MedGen C0917713, MONDO:0010311, OMIM 300376.
Duchenne muscular dystrophy (DMD). Also called: Duchenne Muscular Dystrophy (DMD); MUSCULAR DYSTROPHY, PSEUDOHYPERTROPHIC PROGRESSIVE, DUCHENNE TYPE. Identifiers: Orphanet 98896, MedGen C0013264, MONDO:0010679, OMIM 310200.

gnomAD v4.1: 5 of 1,210,305 alleles (0.00041%); highest among the groups gnomAD compares: Non-Finnish European, 0.00056%; no homozygotes.

Submissions (3):

GeneDx
Classification: Uncertain significance. Last evaluated: 2023-12-20. Review status: criteria provided, single submitter. Criteria: GeneDx Variant Classification Process June 2021. Collection method: clinical testing. Allele origin: germline. Affected: yes.
Comment: Has not been previously published as pathogenic or benign to our knowledge; Not observed at significant frequency in large population cohorts (gnomAD); In silico analysis supports that this missense variant does not alter protein structure/function

Ambry Genetics
Classification: Uncertain significance for Cardiovascular phenotype. Last evaluated: 2018-01-30. Review status: criteria provided, single submitter. Criteria: Ambry Variant Classification Scheme 2023. Collection method: clinical testing. Allele origin: germline.
Comment: The p.L695R variant (also known as c.2084T>G), located in coding exon 17 of the DMD gene, results from a T to G substitution at nucleotide position 2084. The leucine at codon 695 is replaced by arginine, an amino acid with dissimilar properties. This amino acid position is well conserved in available vertebrate species. In addition, the in silico prediction for this alteration is inconclusive. Since supporting evidence is limited at this time, the clinical significance of this alteration remains unclear.

Natera, Inc.
Classification: Uncertain significance for Becker muscular dystrophy; Cardiomyopathy; Duchenne muscular dystrophy; Dystrophin deficiency. Last evaluated: 2021-09-07. Review status: no assertion criteria provided. Collection method: clinical testing. Allele origin: germline. Not counted in ClinVar's aggregate classification.

NM_004006.3(DMD):c.2084T>G (p.Leu695Arg)

Gene: DMD (dystrophin; minus strand). Cytogenetic location: Xp21.1.
Variant type: single nucleotide variant.
Coding change: c.2084T>G on transcript NM_004006.3 (MANE Select); coding-DNA position 2084, T replaced by G.
Protein change: p.Leu695Arg; replaces leucine 695 with arginine.
Molecular consequence: missense variant.
Genome position (GRCh38, 1-based): chrX:32,545,243, A>C on the plus strand (T>G on the coding strand, the complement: DMD is on the minus strand). VCF-style: chrX-32545243-A-C. GRCh37 (hg19) VCF-style: chrX-32563360-A-C.
Other names: c.2060T>G, p.Leu687Arg (NM_000109.4); c.2072T>G, p.Leu691Arg (NM_004009.3); c.1715T>G, p.Leu572Arg (NM_004010.3); short protein forms L695R, L687R, L691R, L572R.
Identifiers: ClinVar variation 518976 (VCV000518976.7), dbSNP rs1556780761, ClinGen allele CA412668317.